The following is an entry in ClinVar:

NM_001385875.1(ZFYVE27):c.79C>G (p.Pro27Ala)

Gene: ZFYVE27 (zinc finger FYVE-type containing 27; plus strand). Cytogenetic location: 10q24.2.
Variant type: single nucleotide variant.
Coding change: c.79C>G on transcript NM_001385875.1 (MANE Select); coding-DNA position 79, C replaced by G.
Protein change: p.Pro27Ala; replaces proline 27 with alanine.
Molecular consequence: missense variant. On other transcripts: 5 prime UTR variant (13), non-coding transcript variant (17), intron variant (5).
Genome position (GRCh38, 1-based): chr10:97,738,556, C>G. VCF-style: chr10-97738556-C-G. GRCh37 (hg19) VCF-style: chr10-99498313-C-G.
Other names: c.79C>G, p.Pro27Ala (NM_001002261.4, NM_001002262.4, NM_001174119.2 and 24 more transcripts); c.-101C>G (NM_001385890.1, NM_001385893.1, NM_001385895.1 and 2 more transcripts); c.-88C>G (NM_001385899.1, NM_001385900.1, NM_001385903.1 and 4 more transcripts); c.-116C>G (NM_001385915.1); c.-8+1235C>G (NM_001385891.1, NM_001385894.1, NM_001385892.1 and 1 more transcripts); c.-27+1235C>G (NM_001174121.2); short protein forms P27A.
Identifiers: ClinVar variation 301829 (VCV000301829.17), dbSNP rs34979921, ClinGen allele CA5635044.
Genomic context (GRCh38, chr10:97,738,556, plus strand): 5'-GAGGGGAGTGGGCCGGAGCTGAGCCCCAGCGTGATGCCCGAGGCTCCCCTGGAGTCTCCA[C>G]CTTTTCCTACCAAGTCCCCAGCGTTTGACCTTTTCAACTTGGTTCTCTCCTACAAGAGGC-3'
Protein context (NP_001372804.1, residues 17-37): VMPEAPLESP[Pro27Ala]FPTKSPAFDL

ClinVar aggregate classification (germline): Benign. Review status: criteria provided, multiple submitters, no conflicts (2 of 4 stars). 4 submissions from 4 submitters: Benign (4). Last evaluated 2025-08-24.

Conditions:
Spastic paraplegia. Identifiers: MedGen C0037772, HP:0001258.
Hereditary spastic paraplegia 33. Also called: SPASTIC PARAPLEGIA 33, AUTOSOMAL DOMINANT. Identifiers: MedGen C1853251, MONDO:0012448, OMIM 610244.

Allele frequency attached by ClinVar (database versions not stated): gnomAD exomes 0.00015; ExAC 0.00054; 1000 Genomes Project 0.00120; 1000 Genomes Project 30x 0.00125; gnomAD 0.00163 and 0.00179; TOPMed 0.00187; ESP Exome Variant Server 0.00231.
gnomAD v4.1: 489 of 1,614,162 alleles (0.03%); highest among the groups gnomAD compares: African/African-American, 0.56%; 2 homozygotes.

Submissions (4):

Labcorp Genetics (formerly Invitae), Labcorp
Classification: Benign for Spastic paraplegia. Last evaluated: 2025-08-24. Review status: criteria provided, single submitter. Criteria: Invitae Variant Classification Sherloc (09022015). Collection method: clinical testing. Allele origin: germline.

Genome-Nilou Lab
Classification: Benign for Hereditary spastic paraplegia 33. Last evaluated: 2021-12-05. Review status: criteria provided, single submitter. Criteria: ACMG Guidelines, 2015. Collection method: clinical testing. Allele origin: germline. Affected: no.

Illumina Laboratory Services, Illumina
Classification: Benign for Hereditary spastic paraplegia 33. Last evaluated: 2018-01-12. Review status: criteria provided, single submitter. Criteria: ICSL Variant Classification Criteria 13 December 2019. Collection method: clinical testing. Allele origin: germline.
Comment: This variant was observed in the ICSL laboratory as part of a predisposition screen in an ostensibly healthy population. It had not been previously curated by ICSL or reported in the Human Gene Mutation Database (HGMD: prior to June 1st, 2018), and was therefore a candidate for classification through an automated scoring system. Utilizing variant allele frequency, disease prevalence and penetrance estimates, and inheritance mode, an automated score was calculated to assess if this variant is too frequent to cause the disease. Based on the score and internal cut-off values, a variant classified as benign is not then subjected to further curation. The score for this variant resulted in a classification of benign for this disease.

Breakthrough Genomics
Classification: Benign. Review status: criteria provided, single submitter. Criteria: ACMG Guidelines, 2015. Collection method: not provided. Allele origin: germline. Inheritance: Autosomal dominant inheritance. Affected: yes.